The following is an entry in ClinVar:

NM_001184785.2(PARD3):c.397C>T (p.Arg133Ter)

Gene: PARD3 (par-3 family cell polarity regulator; minus strand). Cytogenetic location: 10p11.21.
Variant type: single nucleotide variant.
Coding change: c.397C>T on transcript NM_001184785.2 (MANE Select); coding-DNA position 397, C replaced by T.
Protein change: p.Arg133Ter; replaces arginine 133 with a stop codon.
Molecular consequence: nonsense.
Genome position (GRCh38, 1-based): chr10:34,516,985, G>A on the plus strand (C>T on the coding strand, the complement: PARD3 is on the minus strand). VCF-style: chr10-34516985-G-A. GRCh37 (hg19) VCF-style: chr10-34805913-G-A.
Other names: c.397C>T, p.Arg133Ter (NM_001184786.2, NM_001184787.2, NM_001184788.2 and 7 more transcripts); short protein forms R133*.
Identifiers: ClinVar variation 4999299 (VCV004999299.1).

ClinVar aggregate classification (germline): Uncertain significance (1 of 4 stars; one submission).

Conditions:
PARD3-related disorder. Also called: PARD3-related condition.

gnomAD v4.1: 1 of 1,613,412 alleles (0.000062%); highest among the groups gnomAD compares: Non-Finnish European, 0.000085%; no homozygotes.

Submission:

PreventionGenetics, part of Exact Sciences
Classification: Uncertain significance for PARD3-related condition. Last evaluated: 2025-03-13. Review status: criteria provided, single submitter. Criteria: ACMG Guidelines, 2015. Collection method: clinical testing. Allele origin: germline.
Comment: The PARD3 c.397C>T variant is predicted to result in premature protein termination (p.Arg133*). This variant has been reported in an individual with nonsyndromic cleft palate and functional studies suggested that this variant may impact protein function (Cui et al. 2022. PubMed ID: 35789100). This variant has not been reported in a large population database (gnomAD), indicating this variant is rare. Loss of function is not an established mechanism of PARD3-related disorders. At this time, the clinical significance of this variant is uncertain due to the absence of conclusive functional and genetic evidence.